The following is an entry in ClinVar:

ClinVar aggregate classification (germline): Uncertain significance (1 of 4 stars; one submission).

Submission:

Labcorp Genetics (formerly Invitae), Labcorp
Classification: Uncertain significance. Last evaluated: 2021-05-25. Review status: criteria provided, single submitter. Criteria: Invitae Variant Classification Sherloc (09022015). Collection method: clinical testing. Allele origin: germline.
Comment: This sequence change falls in intron 2 of the PHEX gene. It does not directly change the encoded amino acid sequence of the PHEX protein. It affects a nucleotide within the consensus splice site of the intron. In summary, the available evidence is currently insufficient to determine the role of this variant in disease. Therefore, it has been classified as a Variant of Uncertain Significance. Nucleotide substitutions within the consensus splice site are a relatively common cause of aberrant splicing (PMID: 17576681, 9536098). Algorithms developed to predict the effect of sequence changes on RNA splicing suggest that this variant may disrupt the consensus splice site, but this prediction has not been confirmed by published transcriptional studies. This variant has been observed in individual(s) with clinical features of hypophosphatemic rickets (Invitae). This variant is not present in population databases (ExAC no frequency).

Literature cited by the submitters: PubMed 17576681; PubMed 9536098.

NM_000444.6(PHEX):c.187+3_187+6del

Gene: PHEX (phosphate regulating endopeptidase X-linked; plus strand). Cytogenetic location: Xp22.11.
Variant type: Deletion.
Coding change: c.187+3_187+6del on transcript NM_000444.6 (MANE Select); bases 3 to 6 of the intron after coding-DNA position 187, 4 bases deleted (AAGT; older notation c.187+3_187+6delAAGT).
Molecular consequence: splice donor variant.
Genome position (GRCh38, 1-based): chrX:22,038,540-22,038,543, AAGT deleted; deleting any 4 consecutive bases within chrX:22,038,538-22,038,543 gives the same sequence; the c. name uses the placement nearest the transcript's 3' end. VCF-style (leftmost placement, unchanged base first): chrX-22038537-GGTAA-G. GRCh37 (hg19) VCF-style: chrX-22056655-GGTAA-G.
Other names: c.187+3_187+6del (NM_001282754.2).
Identifiers: ClinVar variation 1501395 (VCV001501395.8), dbSNP rs2146979608, ClinGen allele CA2573158511.
Genomic context (GRCh38, chrX:22,038,537, plus strand): 5'-GGTCTCTTAAGTCTCCAAGCTAAACAGGAGTACTGCCTGAAGCCAGAATGCATCGAAGCG[GGTAA>G]GTCACAGTTTTCCATCCTGTGTCAAGTTATAATTATGGTACCTTGGGAAGTGGAAGAGAA-3'